The following is an entry in ClinVar:

ClinVar aggregate classification (germline): Likely benign (0 of 4 stars; one submission).

Conditions:
ROBO3-related disorder. Also called: ROBO3-related condition.

Allele frequency attached by ClinVar (database versions not stated): ExAC 0.00007; ESP Exome Variant Server 0.00008; gnomAD 0.00009; TOPMed 0.00012; gnomAD exomes 0.00014.
gnomAD v4.1: 213 of 1,608,366 alleles (0.013%); highest among the groups gnomAD compares: Non-Finnish European, 0.018%; no homozygotes.

Submission:

PreventionGenetics, part of Exact Sciences
Classification: Likely benign for ROBO3-related condition. Last evaluated: 2023-01-31. Review status: no assertion criteria provided. Collection method: clinical testing. Allele origin: germline.
Comment: This variant is classified as likely benign based on ACMG/AMP sequence variant interpretation guidelines (Richards et al. 2015 PMID: 25741868, with internal and published modifications).

NM_022370.4(ROBO3):c.225C>T (p.Val75=)

Gene: ROBO3 (roundabout guidance receptor 3; plus strand). Cytogenetic location: 11q24.2.
Variant type: single nucleotide variant.
Coding change: c.225C>T on transcript NM_022370.4 (MANE Select); coding-DNA position 225, C replaced by T.
Protein change: p.Val75=; no amino-acid change (valine 75 retained).
Molecular consequence: synonymous variant.
Genome position (GRCh38, 1-based): chr11:124,868,866, C>T. VCF-style: chr11-124868866-C-T. GRCh37 (hg19) VCF-style: chr11-124738762-C-T.
Identifiers: ClinVar variation 3046546 (VCV003046546.2), dbSNP rs375182141, ClinGen allele CA6343124.
Genomic context (GRCh38, chr11:124,868,866, plus strand): 5'-AAGGGTAGGACCGGAGGACGCTATGCCCCGCATCGTGGAGCAGCCGCCAGATCTGCTGGT[C>T]TCCCGAGGCGAGCCCGCCACGTTGCCCTGCCGCGCTGAAGGCCGACCCCGACCCAACATT-3'
Protein context (NP_071765.2, residues 65-85): RIVEQPPDLL[Val75=]SRGEPATLPC